The following is an entry in ClinVar:

ClinVar aggregate classification (germline): Uncertain significance. Review status: criteria provided, multiple submitters, no conflicts (2 of 4 stars). 6 submissions from 6 submitters: Uncertain significance (6). Last evaluated 2026-06-15.

Conditions:
Cardiovascular phenotype. Identifiers: MedGen CN230736.
CBL-related disorder. Also called: NOONAN SYNDROME-LIKE DISORDER WITHOUT JUVENILE MYELOMONOCYTIC LEUKEMIA; CBL MUTATION-ASSOCIATED SYNDROME; CBL SYNDROME. Identifiers: Orphanet 363972, MedGen C3150803, MONDO:0013308, OMIM 613563.
RASopathy. Also called: Noonan spectrum disorder; rasopathies. Identifiers: Orphanet 536391, MedGen C5555857, MONDO:0021060.

Allele frequency attached by ClinVar (database versions not stated): ExAC 0.00002; gnomAD 0.00003 and 0.00004; gnomAD exomes 0.00003 and 0.00007; TOPMed 0.00003.
gnomAD v4.1: 115 of 1,614,074 alleles (0.0071%); highest among the groups gnomAD compares: Non-Finnish European, 0.0089%; no homozygotes.

Submissions (6):

PreventionGenetics, part of Exact Sciences
Classification: Uncertain significance for CBL-related condition. Last evaluated: 2026-06-15. Review status: criteria provided, single submitter. Criteria: ACMG Guidelines, 2015. Collection method: clinical testing. Allele origin: germline.
Comment: The CBL c.2614C>A variant is predicted to result in the amino acid substitution p.Gln872Lys. This variant was reported in an individual with acute lymphoblastic leukemia (Table S1, de Smith et al. 2019. PubMed ID: 31102422). This variant is reported in 0.0080% of alleles in individuals of African descent in gnomAD. At this time, the clinical significance of this variant is uncertain due to the absence of conclusive functional and genetic evidence.

Labcorp Genetics (formerly Invitae), Labcorp
Classification: Uncertain significance for RASopathy. Last evaluated: 2026-02-03. Review status: criteria provided, single submitter. Criteria: Invitae Variant Classification Sherloc (09022015). Collection method: clinical testing. Allele origin: germline.
Comment: This sequence change replaces glutamine, which is neutral and polar, with lysine, which is basic and polar, at codon 872 of the CBL protein (p.Gln872Lys). The frequency data for this variant in the population databases is considered unreliable, as metrics indicate poor data quality at this position in the gnomAD database. This missense change has been observed in individual(s) with acute lymphoblastic leukemia (PMID: 31102422). ClinVar contains an entry for this variant (Variation ID: 503534). Invitae Evidence Modeling of protein sequence and biophysical properties (such as structural, functional, and spatial information, amino acid conservation, physicochemical variation, residue mobility, and thermodynamic stability) indicates that this missense variant is not expected to disrupt CBL protein function with a negative predictive value of 95%. In summary, the available evidence is currently insufficient to determine the role of this variant in disease. Therefore, it has been classified as a Variant of Uncertain Significance.

Ambry Genetics
Classification: Uncertain significance for Cardiovascular phenotype. Last evaluated: 2025-08-04. Review status: criteria provided, single submitter. Criteria: Ambry Variant Classification Scheme 2023. Collection method: clinical testing. Allele origin: germline.

GeneDx
Classification: Uncertain significance. Last evaluated: 2025-05-15. Review status: criteria provided, single submitter. Criteria: GeneDx Variant Classification Process June 2021. Collection method: clinical testing. Allele origin: germline. Affected: yes.
Comment: Observed in an individual with childhood acute lymphoblastic leukemia (PMID: 31102422); In silico analysis suggests that this missense variant does not alter protein structure/function; This variant is associated with the following publications: (PMID: 11067845, 20619386, 31102422, 26580448)

Blueprint Genetics
Classification: Uncertain significance. Last evaluated: 2022-03-17. Review status: criteria provided, single submitter. Criteria: ACMG Guidelines, 2015. Collection method: clinical testing. Allele origin: germline.

Laboratory for Molecular Medicine, Mass General Brigham Personalized Medicine
Classification: Uncertain significance. Last evaluated: 2018-02-28. Review status: criteria provided, single submitter. Criteria: LMM Criteria. Collection method: clinical testing. Allele origin: germline.
Comment: Disclaimer: This variant has not undergone full assessment. The following are preliminary notes: GnomAd 11:119170384 C / A: Europeans 5/111684; fairly- well conserved, but lysine seen in cavefish; Not in ClinVar, Pubmed, Google search or HGMD; possibly damaging by polyphen

Literature cited by the submitters: PubMed 31102422 (cited by Labcorp Genetics (formerly Invitae), Labcorp).

NM_005188.4(CBL):c.2614C>A (p.Gln872Lys)

Gene: CBL (Cbl proto-oncogene; plus strand). Cytogenetic location: 11q23.3.
Variant type: single nucleotide variant.
Coding change: c.2614C>A on transcript NM_005188.4 (MANE Select); coding-DNA position 2614, C replaced by A.
Protein change: p.Gln872Lys; replaces glutamine 872 with lysine.
Molecular consequence: missense variant.
Genome position (GRCh38, 1-based): chr11:119,299,674, C>A. VCF-style: chr11-119299674-C-A. GRCh37 (hg19) VCF-style: chr11-119170384-C-A.
Other names: short protein forms Q872K.
Identifiers: ClinVar variation 503534 (VCV000503534.18), dbSNP rs746795014, ClinGen allele CA6318821.